The following is an entry in ClinVar:

NM_152564.5(VPS13B):c.11392+5G>C

Gene: VPS13B (vacuolar protein sorting 13 homolog B; plus strand). Cytogenetic location: 8q22.2.
Variant type: single nucleotide variant.
Coding change: c.11392+5G>C on transcript NM_152564.5 (MANE Select); 5 bases into the intron after coding-DNA position 11392, G replaced by C.
Molecular consequence: intron variant.
Genome position (GRCh38, 1-based): chr8:99,868,470, G>C. VCF-style: chr8-99868470-G-C. GRCh37 (hg19) VCF-style: chr8-100880698-G-C.
Other names: c.11467+5G>C (NM_017890.5).
Identifiers: ClinVar variation 2095216 (VCV002095216.2), dbSNP rs2492347740, ClinGen allele CA2580079243.

ClinVar aggregate classification (germline): Uncertain significance. Review status: criteria provided, multiple submitters, no conflicts (2 of 4 stars). 2 submissions from 2 submitters: Uncertain significance (2). Last evaluated 2024-11-07.

Conditions:
Cohen syndrome (COH1). Also called: Cutis verticis gyrata, retinitis pigmentosa, and sensorineural deafness; PEPPER SYNDROME. Identifiers: Orphanet 193, MedGen C0265223, MONDO:0008999, OMIM 216550.

Submissions (2):

3billion
Classification: Uncertain significance for Cohen syndrome. Last evaluated: 2024-11-07. Review status: criteria provided, single submitter. Criteria: ACMG Guidelines, 2015. Collection method: clinical testing. Allele origin: germline. Affected: yes.
Comment: The variant is not observed in the gnomAD v4.1.0 dataset. Predicted Consequence/Location: Intron variant In silico tools predict the variant to alter splicing and produce an abnormal transcript [SpliceAI: 0.33 (>=0.2, moderate evidence for spliceogenicity)]. The variant has been reported as of uncertain significance (ClinVar ID: VCV002095216). Therefore, this variant is classified as VUS according to the recommendation of ACMG/AMP guideline.

Labcorp Genetics (formerly Invitae), Labcorp
Classification: Uncertain significance for Cohen syndrome. Last evaluated: 2022-02-08. Review status: criteria provided, single submitter. Criteria: Invitae Variant Classification Sherloc (09022015). Collection method: clinical testing. Allele origin: germline.
Comment: This sequence change falls in intron 59 of the VPS13B gene. It does not directly change the encoded amino acid sequence of the VPS13B protein. It affects a nucleotide within the consensus splice site. This variant is not present in population databases (gnomAD no frequency). This variant has not been reported in the literature in individuals affected with VPS13B-related conditions. Variants that disrupt the consensus splice site are a relatively common cause of aberrant splicing (PMID: 17576681, 9536098). Algorithms developed to predict the effect of sequence changes on RNA splicing suggest that this variant may disrupt the consensus splice site. In summary, the available evidence is currently insufficient to determine the role of this variant in disease. Therefore, it has been classified as a Variant of Uncertain Significance.

Literature cited by the submitters: PubMed 17576681 (cited by Labcorp Genetics (formerly Invitae), Labcorp); PubMed 9536098 (cited by Labcorp Genetics (formerly Invitae), Labcorp).